The following is an entry in ClinVar:

ClinVar aggregate classification (germline): Uncertain significance (1 of 4 stars; one submission).

Conditions:
Congenital myasthenic syndrome 8. Also called: MYASTHENIC SYNDROME, CONGENITAL, DUE TO AGRIN DEFICIENCY; Myasthenic syndrome, congenital, 8, with pre- and postsynaptic defects. Identifiers: Orphanet 590, MedGen C3808739, MONDO:0014052, OMIM 615120.

Allele frequency attached by ClinVar (database versions not stated): gnomAD exomes below 0.00001.
gnomAD v4.1: 2 of 1,554,666 alleles (0.00013%); highest among the groups gnomAD compares: Non-Finnish European, 0.00017%; no homozygotes.

Submission:

Labcorp Genetics (formerly Invitae), Labcorp
Classification: Uncertain significance for Congenital myasthenic syndrome 8. Last evaluated: 2024-10-28. Review status: criteria provided, single submitter. Criteria: Invitae Variant Classification Sherloc (09022015). Collection method: clinical testing. Allele origin: germline.
Comment: This sequence change replaces valine, which is neutral and non-polar, with alanine, which is neutral and non-polar, at codon 1791 of the AGRN protein (p.Val1791Ala). This variant is not present in population databases (gnomAD no frequency). This variant has not been reported in the literature in individuals affected with AGRN-related conditions. ClinVar contains an entry for this variant (Variation ID: 1431145). An algorithm developed to predict the effect of missense changes on protein structure and function (PolyPhen-2) suggests that this variant is likely to be disruptive. In summary, the available evidence is currently insufficient to determine the role of this variant in disease. Therefore, it has been classified as a Variant of Uncertain Significance.

NM_198576.4(AGRN):c.5372T>C (p.Val1791Ala)

Gene: AGRN (agrin; plus strand). Cytogenetic location: 1p36.33.
Variant type: single nucleotide variant.
Coding change: c.5372T>C on transcript NM_198576.4 (MANE Select); coding-DNA position 5372, T replaced by C.
Protein change: p.Val1791Ala; replaces valine 1791 with alanine.
Molecular consequence: missense variant.
Genome position (GRCh38, 1-based): chr1:1,051,454, T>C. VCF-style: chr1-1051454-T-C. GRCh37 (hg19) VCF-style: chr1-986834-T-C.
Other names: c.5384T>C, p.Val1795Ala (NM_001305275.2); c.5069T>C, p.Val1690Ala (NM_001364727.2); short protein forms V1690A, V1791A, V1795A.
Identifiers: ClinVar variation 1431145 (VCV001431145.6), dbSNP rs2100688589, ClinGen allele CA337781421.